The following is an entry in ClinVar:

NM_005445.4(SMC3):c.91+67C>G

Gene: SMC3 (structural maintenance of chromosomes 3; plus strand). Cytogenetic location: 10q25.2.
Variant type: single nucleotide variant.
Coding change: c.91+67C>G on transcript NM_005445.4 (MANE Select); 67 bases into the intron after coding-DNA position 91, C replaced by G.
Molecular consequence: intron variant.
Genome position (GRCh38, 1-based): chr10:110,569,080, C>G. VCF-style: chr10-110569080-C-G. GRCh37 (hg19) VCF-style: chr10-112328838-C-G.
Identifiers: ClinVar variation 674950 (VCV000674950.2), dbSNP rs4917577, ClinGen allele CA213220011.

ClinVar aggregate classification (germline): Benign. Review status: criteria provided, multiple submitters, no conflicts (2 of 4 stars). 2 submissions from 2 submitters: Benign (2). Last evaluated 2018-06-16.

Allele frequency attached by ClinVar (database versions not stated): 1000 Genomes Project 0.99760; 1000 Genomes Project 30x 0.99766; TOPMed 0.99768; gnomAD 0.99780; gnomAD exomes 0.99980.
gnomAD v4.1: 1,041,472 of 1,041,970 alleles (100%); highest among the groups gnomAD compares: Middle Eastern, 100%; 520,488 homozygotes.

Submissions (2):

GeneDx
Classification: Benign. Last evaluated: 2018-06-16. Review status: criteria provided, single submitter. Criteria: GeneDx Variant Classification (06012015). Collection method: clinical testing. Allele origin: germline. Affected: yes.
Comment: This variant is considered likely benign or benign based on one or more of the following criteria: it is a conservative change, it occurs at a poorly conserved position in the protein, it is predicted to be benign by multiple in silico algorithms, and/or has population frequency not consistent with disease.

Breakthrough Genomics
Classification: Benign. Review status: criteria provided, single submitter. Criteria: ACMG Guidelines, 2015. Collection method: not provided. Allele origin: germline. Inheritance: Autosomal dominant inheritance. Affected: yes.